The following is an entry in ClinVar:

NM_000038.6(APC):c.3887C>T (p.Ala1296Val)

Gene: APC (APC regulator of Wnt signaling pathway; plus strand). Cytogenetic location: 5q22.2.
Variant type: single nucleotide variant.
Coding change: c.3887C>T on transcript NM_000038.6 (MANE Select); coding-DNA position 3887, C replaced by T.
Protein change: p.Ala1296Val; replaces alanine 1296 with valine.
Molecular consequence: missense variant.
Genome position (GRCh38, 1-based): chr5:112,839,481, C>T. VCF-style: chr5-112839481-C-T. GRCh37 (hg19) VCF-style: chr5-112175178-C-T.
Other names: c.3887C>T, p.Ala1296Val (NM_001127510.3, NM_001354895.2); c.3833C>T, p.Ala1278Val (NM_001127511.3); c.3941C>T, p.Ala1314Val (NM_001354896.2); c.3917C>T, p.Ala1306Val (NM_001354897.2); c.3812C>T, p.Ala1271Val (NM_001354898.2); c.3803C>T, p.Ala1268Val (NM_001354899.2); c.3764C>T, p.Ala1255Val (NM_001354900.2); c.3710C>T, p.Ala1237Val (NM_001354901.2); and 5 more; short protein forms A1278V, A1296V, A1170V, A1195V, A1271V, A1306V, A1255V, A1268V.
Identifiers: ClinVar variation 482418 (VCV000482418.24), dbSNP rs1291513037, ClinGen allele CA16029865.
Genomic context (GRCh38, chr5:112,839,481, plus strand): 5'-CATTATCATCTTTGTCATCAGCTGAAGATGAAATAGGATGTAATCAGACGACACAGGAAG[C>T]AGATTCTGCTAATACCCTGCAAATAGCAGAAATAAAAGAAAAGATTGGAACTAGGTCAGC-3'
Protein context (NP_000029.2, residues 1286-1306): EIGCNQTTQE[Ala1296Val]DSANTLQIAE

ClinVar aggregate classification (germline): Uncertain significance. Review status: criteria provided, multiple submitters, no conflicts (2 of 4 stars). 6 submissions from 6 submitters: Uncertain significance (6). Last evaluated 2025-09-23.

Conditions:
Familial adenomatous polyposis 1 (FAP1). Also called: FAMILIAL ADENOMATOUS POLYPOSIS 1, ATTENUATED; POLYPOSIS, ADENOMATOUS INTESTINAL. Identifiers: MedGen C2713442, MONDO:0021056, OMIM 175100. Disease mechanism: loss of function.
Classic or attenuated familial adenomatous polyposis. Identifiers: MedGen CN372698, MONDO:0021057.
Hereditary cancer-predisposing syndrome. Also called: Neoplastic Syndromes, Hereditary; Tumor predisposition; Hereditary Cancer Syndrome; Hereditary neoplastic syndrome. Identifiers: Orphanet 140162, MedGen C0027672, MeSH D009386, MONDO:0015356.

Allele frequency attached by ClinVar (database versions not stated): gnomAD exomes below 0.00001.

Submissions (6):

Ambry Genetics
Classification: Uncertain significance for Hereditary cancer-predisposing syndrome. Last evaluated: 2025-09-23. Review status: criteria provided, single submitter. Criteria: Ambry Variant Classification Scheme 2023. Collection method: clinical testing. Allele origin: germline.
Comment: The p.A1296V variant (also known as c.3887C>T), located in coding exon 15 of the APC gene, results from a C to T substitution at nucleotide position 3887. The alanine at codon 1296 is replaced by valine, an amino acid with similar properties. This amino acid position is poorly conserved in available vertebrate species. In addition, in silico predictors for this gene do not accurately predict pathogenicity. Missense alterations in APC are not a common cause of disease (Spier I et al. Genet Med. 2024 Feb;26(2):100992). Since supporting evidence is limited at this time, the clinical significance of this alteration remains unclear.

Labcorp Genetics (formerly Invitae), Labcorp
Classification: Uncertain significance for Familial adenomatous polyposis 1. Last evaluated: 2024-05-14. Review status: criteria provided, single submitter. Criteria: Invitae Variant Classification Sherloc (09022015). Collection method: clinical testing. Allele origin: germline.
Comment: This sequence change replaces alanine, which is neutral and non-polar, with valine, which is neutral and non-polar, at codon 1296 of the APC protein (p.Ala1296Val). This variant is present in population databases (no rsID available, gnomAD 0.0009%). This variant has not been reported in the literature in individuals affected with APC-related conditions. ClinVar contains an entry for this variant (Variation ID: 482418). Advanced modeling of protein sequence and biophysical properties (such as structural, functional, and spatial information, amino acid conservation, physicochemical variation, residue mobility, and thermodynamic stability) performed at Invitae indicates that this missense variant is not expected to disrupt APC protein function with a negative predictive value of 95%. In summary, the available evidence is currently insufficient to determine the role of this variant in disease. Therefore, it has been classified as a Variant of Uncertain Significance.

All of Us Research Program, National Institutes of Health
Classification: Uncertain significance for Classic or attenuated familial adenomatous polyposis. Last evaluated: 2023-12-01. Review status: criteria provided, single submitter. Criteria: ACMG Guidelines, 2015. Collection method: clinical testing. Allele origin: germline. Inheritance: Autosomal dominant inheritance. Observed: 2 variant alleles, 2 heterozygotes.
Comment: This study involves interpretation of variants in research participants for the purpose of population health screening. Participant phenotype was not available at the time of variant classification. Additional details can be found in publication PMID: 35346344, PMCID: PMC8962531

Baylor Genetics
Classification: Uncertain significance for Familial adenomatous polyposis 1. Last evaluated: 2023-06-26. Review status: criteria provided, single submitter. Criteria: ACMG Guidelines, 2015. Collection method: clinical testing. Allele origin: unknown.

Quest Diagnostics Nichols Institute San Juan Capistrano
Classification: Uncertain significance. Last evaluated: 2019-07-03. Review status: criteria provided, single submitter. Criteria: Quest Diagnostics criteria. Collection method: clinical testing. Allele origin: germline.

Color Diagnostics, LLC DBA Color Health
Classification: Uncertain significance for Hereditary cancer-predisposing syndrome. Last evaluated: 2019-01-03. Review status: criteria provided, single submitter. Criteria: ACMG Guidelines, 2015. Collection method: clinical testing. Allele origin: germline.

Literature cited by the submitters: PubMed 10666372 (cited by Quest Diagnostics Nichols Institute San Juan Capistrano).